The following is an entry in ClinVar:

NM_173628.4(DNAH17):c.13365C>T (p.Ala4455=)

Genes: DNAH17 (dynein axonemal heavy chain 17; minus strand), PGS1 (phosphatidylglycerophosphate synthase 1; plus strand). Cytogenetic location: 17q25.3.
Variant type: single nucleotide variant.
Coding change: c.13365C>T on transcript NM_173628.4 (MANE Select); coding-DNA position 13365, C replaced by T.
Protein change: p.Ala4455=; no amino-acid change (alanine 4455 retained).
Molecular consequence: synonymous variant. On other transcripts: intron variant (1).
Genome position (GRCh38, 1-based): chr17:78,423,930, G>A on the plus strand (C>T on the coding strand, the complement: DNAH17 is on the minus strand). VCF-style: chr17-78423930-G-A. GRCh37 (hg19) VCF-style: chr17-76420011-G-A.
Other names: c.*11-131G>A (NM_024419.5).
Identifiers: ClinVar variation 2648341 (VCV002648341.24), dbSNP rs141424232, ClinGen allele CA8799535.

ClinVar aggregate classification (germline): Likely benign (1 of 4 stars; one submission).

Allele frequency attached by ClinVar (database versions not stated): gnomAD 0.00032; TOPMed 0.00036; ESP Exome Variant Server 0.00038.
gnomAD v4.1: 486 of 1,613,966 alleles (0.03%); highest among the groups gnomAD compares: Middle Eastern, 0.033%; 6 homozygotes.

Submission:

CeGaT Center for Human Genetics Tuebingen
Classification: Likely benign. Last evaluated: 2023-02-01. Review status: criteria provided, single submitter. Criteria: CeGaT Center For Human Genetics Tuebingen Variant Classification Criteria Version 2. Collection method: clinical testing. Allele origin: germline. Affected: yes. Observed: 2 variant alleles.
Comment: DNAH17: BP4, BP7